The following is an entry in ClinVar:

ClinVar aggregate classification (germline): Uncertain significance (1 of 4 stars; one submission).

Conditions:
Nephronophthisis. Also called: Juvenile Nephronophthisis. Identifiers: Orphanet 655, MedGen C0687120, MONDO:0019005, HP:0000090.

Allele frequency attached by ClinVar (database versions not stated): gnomAD exomes below 0.00001 and 0.00001; gnomAD 0.00002; TOPMed 0.00003; ESP Exome Variant Server 0.00008.
gnomAD v4.1: 18 of 1,614,090 alleles (0.0011%); highest among the groups gnomAD compares: Admixed American, 0.0033%; no homozygotes.

Submission:

Labcorp Genetics (formerly Invitae), Labcorp
Classification: Uncertain significance for Nephronophthisis. Last evaluated: 2022-07-06. Review status: criteria provided, single submitter. Criteria: Invitae Variant Classification Sherloc (09022015). Collection method: clinical testing. Allele origin: germline.
Comment: This sequence change replaces cysteine, which is neutral and slightly polar, with tyrosine, which is neutral and polar, at codon 735 of the INVS protein (p.Cys735Tyr). This variant is present in population databases (rs375485537, gnomAD 0.003%). This variant has not been reported in the literature in individuals affected with INVS-related conditions. ClinVar contains an entry for this variant (Variation ID: 1061393). Algorithms developed to predict the effect of missense changes on protein structure and function (SIFT, PolyPhen-2, Align-GVGD) all suggest that this variant is likely to be tolerated. In summary, the available evidence is currently insufficient to determine the role of this variant in disease. Therefore, it has been classified as a Variant of Uncertain Significance.

NM_014425.5(INVS):c.2204G>A (p.Cys735Tyr)

Gene: INVS (inversin; plus strand). Cytogenetic location: 9q31.1.
Variant type: single nucleotide variant.
Coding change: c.2204G>A on transcript NM_014425.5 (MANE Select); coding-DNA position 2204, G replaced by A.
Protein change: p.Cys735Tyr; replaces cysteine 735 with tyrosine.
Molecular consequence: missense variant. On other transcripts: non-coding transcript variant (1).
Genome position (GRCh38, 1-based): chr9:100,292,461, G>A. VCF-style: chr9-100292461-G-A. GRCh37 (hg19) VCF-style: chr9-103054743-G-A.
Other names: c.1916G>A, p.Cys639Tyr (NM_001318381.2); c.1226G>A, p.Cys409Tyr (NM_001318382.2); short protein forms C409Y, C639Y, C735Y.
Identifiers: ClinVar variation 1061393 (VCV001061393.6), dbSNP rs375485537, ClinGen allele CA196895459.